The following is an entry in ClinVar:

ClinVar aggregate classification (germline): Likely benign (1 of 4 stars; one submission).

Submission:

GeneDx
Classification: Likely benign. Last evaluated: 2018-02-16. Review status: criteria provided, single submitter. Criteria: GeneDx Variant Classification (06012015). Collection method: clinical testing. Allele origin: germline. Affected: yes.
Comment: This variant is considered likely benign or benign based on one or more of the following criteria: it is a conservative change, it occurs at a poorly conserved position in the protein, it is predicted to be benign by multiple in silico algorithms, and/or has population frequency not consistent with disease.

NM_001164508.2(NEB):c.10560+10G>A

Gene: NEB (nebulin; minus strand). Cytogenetic location: 2q23.3.
Variant type: single nucleotide variant.
Coding change: c.10560+10G>A on transcript NM_001164508.2 (MANE Select); 10 bases into the intron after coding-DNA position 10560, G replaced by A.
Molecular consequence: intron variant.
Genome position (GRCh38, 1-based): chr2:151,620,909, C>T on the plus strand (G>A on the coding strand, the complement: NEB is on the minus strand). VCF-style: chr2-151620909-C-T. GRCh37 (hg19) VCF-style: chr2-152477423-C-T.
Other names: c.9831+10G>A (NM_004543.5); c.10560+10G>A (NM_001164507.2, NM_001271208.2).
Identifiers: ClinVar variation 515423 (VCV000515423.1), dbSNP rs1553915713, ClinGen allele CA658795885.